The following is an entry in ClinVar:

ClinVar aggregate classification (germline): Uncertain significance. Review status: criteria provided, single submitter (1 of 4 stars). 2 submissions from 2 submitters: Uncertain significance (1). 1 of the submissions does not count toward it. Last evaluated 2021-04-21.

Conditions:
Von Hippel-Lindau syndrome (VHLS). Also called: VHL syndrome; von Hippel–Lindau syndrome; Von Hippel-Lindau. Identifiers: Orphanet 892, MedGen C0019562, MONDO:0008667, OMIM 193300. Disease mechanism: loss of function.
Chuvash polycythemia. Also called: POLYCYTHEMIA, VHL-DEPENDENT. Identifiers: Orphanet 238557, MedGen C1837915, MONDO:0009892, OMIM 263400.
Pheochromocytoma. Also called: MAX-Related Hereditary Paraganglioma-Pheochromocytoma Syndrome. Identifiers: Orphanet 29072, MedGen C0031511, MONDO:0008233, OMIM 171300, HP:0002666.

Submissions (2):

Labcorp Genetics (formerly Invitae), Labcorp
Classification: Uncertain significance for Von Hippel-Lindau syndrome; Chuvash polycythemia. Last evaluated: 2021-04-21. Review status: criteria provided, single submitter. Criteria: Invitae Variant Classification Sherloc (09022015). Collection method: clinical testing. Allele origin: germline.
Comment: This variant is not present in population databases (ExAC no frequency). In summary, the available evidence is currently insufficient to determine the role of this variant in disease. Therefore, it has been classified as a Variant of Uncertain Significance. Advanced modeling of protein sequence and biophysical properties (such as structural, functional, and spatial information, amino acid conservation, physicochemical variation, residue mobility, and thermodynamic stability) performed at Invitae indicates that this missense variant is expected to disrupt VHL protein function. This variant has been observed in individual(s) with pheochromocytoma (PMID: 27539324). ClinVar contains an entry for this variant (Variation ID: 219158). This sequence change replaces serine with tryptophan at codon 183 of the VHL protein (p.Ser183Trp). The serine residue is moderately conserved and there is a large physicochemical difference between serine and tryptophan.

Endocrinology Clinic, Seth G.S. Medical College
Classification: Likely pathogenic for Pheochromocytoma. Last evaluated: 2015-12-01. Review status: no assertion criteria provided. Collection method: research. Allele origin: germline. Inheritance: Autosomal dominant inheritance. Affected: yes. Study: Spectrum of Germline Mutations in Indian Patients with Pheochromocytoma/ Paraganglioma (PHEO/PGL). Not counted in ClinVar's aggregate classification.

Literature cited by the submitters: PubMed 27539324 (cited by Labcorp Genetics (formerly Invitae), Labcorp).

NM_000551.4(VHL):c.548C>G (p.Ser183Trp)

Genes: VHL (von Hippel-Lindau tumor suppressor; plus strand), LOC107303340 (3p25 von Hippel-Lindau tumor suppressor, E3 ubiquitin protein ligase Alu-mediated recombination region; plus strand). Cytogenetic location: 3p25.3.
Variant type: single nucleotide variant.
Coding change: c.548C>G on transcript NM_000551.4 (MANE Select); coding-DNA position 548, C replaced by G.
Protein change: p.Ser183Trp; replaces serine 183 with tryptophan.
Molecular consequence: missense variant. On other transcripts: 3 prime UTR variant (1).
Genome position (GRCh38, 1-based): chr3:10,149,871, C>G. VCF-style: chr3-10149871-C-G. GRCh37 (hg19) VCF-style: chr3-10191555-C-G.
Other names: c.*102C>G (NM_001354723.2); c.425C>G, p.Ser142Trp (NM_198156.3); short protein forms S183W, S142W.
Identifiers: ClinVar variation 219158 (VCV000219158.9), dbSNP rs5030823, ClinGen allele CA277912.